The following is an entry in ClinVar:

ClinVar aggregate classification (germline): Likely pathogenic (1 of 4 stars; one submission).

gnomAD v4.1: 1 of 1,614,002 alleles (0.000062%); highest among the groups gnomAD compares: Non-Finnish European, 0.000085%; no homozygotes.

Submission:

CeGaT Center for Human Genetics Tuebingen
Classification: Likely pathogenic. Last evaluated: 2025-09-01. Review status: criteria provided, single submitter. Criteria: CeGaT Center For Human Genetics Tuebingen Variant Classification Criteria Version 2. Collection method: clinical testing. Allele origin: germline. Affected: yes. Observed: 1 variant allele.
Comment: SOX11: PM1, PM5, PM2:Supporting, PP2, PP3

NM_003108.4(SOX11):c.358C>A (p.Pro120Thr)

Gene: SOX11 (SRY-box transcription factor 11; plus strand). Cytogenetic location: 2p25.2.
Variant type: single nucleotide variant.
Coding change: c.358C>A on transcript NM_003108.4 (MANE Select); coding-DNA position 358, C replaced by A.
Protein change: p.Pro120Thr; replaces proline 120 with threonine.
Molecular consequence: missense variant.
Genome position (GRCh38, 1-based): chr2:5,693,079, C>A. VCF-style: chr2-5693079-C-A. GRCh37 (hg19) VCF-style: chr2-5833211-C-A.
Other names: short protein forms P120T.
Identifiers: ClinVar variation 4534813 (VCV004534813.6).